The following is an entry in ClinVar:

NM_006514.4(SCN10A):c.2863A>T (p.Ser955Cys)

Genes: SCN10A (sodium voltage-gated channel alpha subunit 10; minus strand), LOC110121288 (VISTA enhancer hs2268; plus strand). Cytogenetic location: 3p22.2.
Variant type: single nucleotide variant.
Coding change: c.2863A>T on transcript NM_006514.4 (MANE Select); coding-DNA position 2863, A replaced by T.
Protein change: p.Ser955Cys; replaces serine 955 with cysteine.
Molecular consequence: missense variant.
Genome position (GRCh38, 1-based): chr3:38,726,830, T>A on the plus strand (A>T on the coding strand, the complement: SCN10A is on the minus strand). VCF-style: chr3-38726830-T-A. GRCh37 (hg19) VCF-style: chr3-38768321-T-A.
Other names: c.2863A>T (NM_006514.2); c.2863A>T, p.Ser955Cys (NM_001293306.2); c.2569A>T, p.Ser857Cys (NM_001293307.2); short protein forms S857C, S955C.
Identifiers: ClinVar variation 1471992 (VCV001471992.9), dbSNP rs1674245596, ClinGen allele CA352158074.

ClinVar aggregate classification (germline): Uncertain significance. Review status: criteria provided, multiple submitters, no conflicts (2 of 4 stars). 2 submissions from 2 submitters: Uncertain significance (2). Last evaluated 2022-12-18.

Conditions:
Cardiovascular phenotype. Identifiers: MedGen CN230736.
Brugada syndrome. Also called: Sudden Unexplained Death Syndrome; Sudden Unexplained Nocturnal Death Syndrome (SUNDS); Sudden unexpected nocturnal death syndrome; Sudden unexplained nocturnal death syndrome. Identifiers: Orphanet 130, MedGen C1142166, MONDO:0015263.

Allele frequency attached by ClinVar (database versions not stated): gnomAD exomes below 0.00001; TOPMed below 0.00001.
gnomAD v4.1: 2 of 1,613,820 alleles (0.00012%); highest among the groups gnomAD compares: Non-Finnish European, 0.00017%; no homozygotes.

Submissions (2):

Ambry Genetics
Classification: Uncertain significance for Cardiovascular phenotype. Last evaluated: 2022-12-18. Review status: criteria provided, single submitter. Criteria: Ambry Variant Classification Scheme 2023. Collection method: clinical testing. Allele origin: germline.
Comment: The p.S955C variant (also known as c.2863A>T), located in coding exon 16 of the SCN10A gene, results from an A to T substitution at nucleotide position 2863. The serine at codon 955 is replaced by cysteine, an amino acid with dissimilar properties. This amino acid position is conserved. In addition, this alteration is predicted to be tolerated by in silico analysis. Since supporting evidence is limited at this time, the clinical significance of this alteration remains unclear.

Labcorp Genetics (formerly Invitae), Labcorp
Classification: Uncertain significance for Brugada syndrome. Last evaluated: 2021-02-14. Review status: criteria provided, single submitter. Criteria: Invitae Variant Classification Sherloc (09022015). Collection method: clinical testing. Allele origin: germline.
Comment: This variant is not present in population databases (ExAC no frequency). This variant has not been reported in the literature in individuals with SCN10A-related conditions. Advanced modeling of protein sequence and biophysical properties (such as structural, functional, and spatial information, amino acid conservation, physicochemical variation, residue mobility, and thermodynamic stability) performed at Invitae indicates that this missense variant is not expected to disrupt SCN10A protein function. In summary, the available evidence is currently insufficient to determine the role of this variant in disease. Therefore, it has been classified as a Variant of Uncertain Significance. This sequence change replaces serine with cysteine at codon 955 of the SCN10A protein (p.Ser955Cys). The serine residue is moderately conserved and there is a moderate physicochemical difference between serine and cysteine.